The following is an entry in ClinVar:

ClinVar aggregate classification (germline): Uncertain significance (1 of 4 stars; one submission).

Conditions:
Cataract 6 multiple types. Also called: CATARACT 6, POSTERIOR POLAR; CATARACT 6, CONGENITAL TOTAL; CATARACT, AGE-RELATED CORTICAL, 2. Identifiers: Orphanet 91492, MedGen C1861825, MONDO:0007288, OMIM 116600.

gnomAD v4.1: 9 of 1,613,734 alleles (0.00056%); highest among the groups gnomAD compares: Admixed American, 0.013%; no homozygotes.

Submission:

Labcorp Genetics (formerly Invitae), Labcorp
Classification: Uncertain significance for Cataract 6 multiple types. Last evaluated: 2025-12-22. Review status: criteria provided, single submitter. Criteria: Invitae Variant Classification Sherloc (09022015). Collection method: clinical testing. Allele origin: germline.
Comment: This sequence change replaces lysine, which is basic and polar, with arginine, which is basic and polar, at codon 638 of the EPHA2 protein (p.Lys638Arg). This variant is present in population databases (rs763745213, gnomAD 0.02%). This variant has not been reported in the literature in individuals affected with EPHA2-related conditions. Invitae Evidence Modeling of protein sequence and biophysical properties (such as structural, functional, and spatial information, amino acid conservation, physicochemical variation, residue mobility, and thermodynamic stability) indicates that this missense variant is not expected to disrupt EPHA2 protein function with a negative predictive value of 80%. In summary, the available evidence is currently insufficient to determine the role of this variant in disease. Therefore, it has been classified as a Variant of Uncertain Significance.

NM_004431.5(EPHA2):c.1913A>G (p.Lys638Arg)

Gene: EPHA2 (EPH receptor A2; minus strand). Cytogenetic location: 1p36.13.
Variant type: single nucleotide variant.
Coding change: c.1913A>G on transcript NM_004431.5 (MANE Select); coding-DNA position 1913, A replaced by G.
Protein change: p.Lys638Arg; replaces lysine 638 with arginine.
Molecular consequence: missense variant.
Genome position (GRCh38, 1-based): chr1:16,133,320, T>C on the plus strand (A>G on the coding strand, the complement: EPHA2 is on the minus strand). VCF-style: chr1-16133320-T-C. GRCh37 (hg19) VCF-style: chr1-16459815-T-C.
Other names: c.1751A>G, p.Lys584Arg (NM_001329090.2); short protein forms K584R, K638R.
Identifiers: ClinVar variation 4808416 (VCV004808416.1).